The following is an entry in ClinVar:

ClinVar aggregate classification (germline): Uncertain significance. Review status: criteria provided, multiple submitters, no conflicts (2 of 4 stars). 3 submissions from 3 submitters: Uncertain significance (3). Last evaluated 2025-02-08.

Conditions:
Xanthinuria type II. Also called: Xanthine dehydrogenase and aldehyde oxidase combined deficiency of; XDH and AOX dual deficiency. Identifiers: Orphanet 3467, Orphanet 93602, MedGen C1863688, MONDO:0011346, OMIM 603592.

Allele frequency attached by ClinVar (database versions not stated): TOPMed 0.00001; gnomAD exomes 0.00002 and 0.00003; ExAC 0.00003.
gnomAD v4.1: 33 of 1,614,104 alleles (0.002%); highest among the groups gnomAD compares: Non-Finnish European, 0.0026%; no homozygotes.

Submissions (3):

Ambry Genetics
Classification: Uncertain significance. Last evaluated: 2025-02-08. Review status: criteria provided, single submitter. Criteria: Ambry Variant Classification Scheme 2023. Collection method: clinical testing. Allele origin: germline.

Fulgent Genetics
Classification: Uncertain significance for Xanthinuria type II. Last evaluated: 2021-09-02. Review status: criteria provided, single submitter. Criteria: ACMG Guidelines, 2015. Collection method: clinical testing. Allele origin: unknown.

Labcorp Genetics (formerly Invitae), Labcorp
Classification: Uncertain significance for Xanthinuria type II. Last evaluated: 2021-08-27. Review status: criteria provided, single submitter. Criteria: Invitae Variant Classification Sherloc (09022015). Collection method: clinical testing. Allele origin: germline.
Comment: This sequence change replaces serine with phenylalanine at codon 539 of the MOCOS protein (p.Ser539Phe). The serine residue is weakly conserved and there is a large physicochemical difference between serine and phenylalanine. This variant is present in population databases (rs150119583, ExAC 0.006%). This variant has not been reported in the literature in individuals affected with MOCOS-related conditions. Algorithms developed to predict the effect of missense changes on protein structure and function are either unavailable or do not agree on the potential impact of this missense change (SIFT: "Tolerated"; PolyPhen-2: "Possibly Damaging"; Align-GVGD: "Class C0"). In summary, the available evidence is currently insufficient to determine the role of this variant in disease. Therefore, it has been classified as a Variant of Uncertain Significance.

NM_017947.4(MOCOS):c.1616C>T (p.Ser539Phe)

Gene: MOCOS (molybdenum cofactor sulfurase; plus strand). Cytogenetic location: 18q12.2.
Variant type: single nucleotide variant.
Coding change: c.1616C>T on transcript NM_017947.4 (MANE Select); coding-DNA position 1616, C replaced by T.
Protein change: p.Ser539Phe; replaces serine 539 with phenylalanine.
Molecular consequence: missense variant.
Genome position (GRCh38, 1-based): chr18:36,215,796, C>T. VCF-style: chr18-36215796-C-T. GRCh37 (hg19) VCF-style: chr18-33795759-C-T.
Other names: short protein forms S539F.
Identifiers: ClinVar variation 571788 (VCV000571788.8), dbSNP rs150119583, ClinGen allele CA8940781.